The following is an entry in ClinVar:

ClinVar aggregate classification (germline): Uncertain significance. Review status: criteria provided, multiple submitters, no conflicts (2 of 4 stars). 3 submissions from 3 submitters: Uncertain significance (3). Last evaluated 2025-10-15.

Conditions:
Baller-Gerold syndrome (BGS). Also called: CRANIOSYNOSTOSIS WITH RADIAL DEFECTS. Identifiers: Orphanet 1225, MedGen C0265308, MONDO:0009039, OMIM 218600.
Rapadilino syndrome. Identifiers: Orphanet 3021, MedGen C1849453, MONDO:0009955, OMIM 266280.
Rothmund-Thomson syndrome (RTS). Also called: Poikiloderma Congenitale; Poikiloderma of Rothmund-Thomson. Identifiers: Orphanet 2909, MedGen C0032339, MONDO:0010002.

Allele frequency attached by ClinVar (database versions not stated): gnomAD 0.00001; TOPMed 0.00001; ExAC 0.00001.
gnomAD v4.1: 39 of 1,611,158 alleles (0.0024%); highest among the groups gnomAD compares: South Asian, 0.0077%; no homozygotes.

Submissions (3):

Labcorp Genetics (formerly Invitae), Labcorp
Classification: Uncertain significance for Baller-Gerold syndrome. Last evaluated: 2025-10-15. Review status: criteria provided, single submitter. Criteria: Invitae Variant Classification Sherloc (09022015). Collection method: clinical testing. Allele origin: germline.
Comment: This sequence change replaces arginine, which is basic and polar, with histidine, which is basic and polar, at codon 1069 of the RECQL4 protein (p.Arg1069His). This variant is present in population databases (rs752847936, gnomAD 0.007%). This variant has not been reported in the literature in individuals affected with RECQL4-related conditions. ClinVar contains an entry for this variant (Variation ID: 528977). Invitae Evidence Modeling of protein sequence and biophysical properties (such as structural, functional, and spatial information, amino acid conservation, physicochemical variation, residue mobility, and thermodynamic stability) indicates that this missense variant is not expected to disrupt RECQL4 protein function with a negative predictive value of 80%. In summary, the available evidence is currently insufficient to determine the role of this variant in disease. Therefore, it has been classified as a Variant of Uncertain Significance.

Mayo Clinic Laboratories, Mayo Clinic
Classification: Uncertain significance. Last evaluated: 2025-09-12. Review status: criteria provided, single submitter. Criteria: ACMG Guidelines, 2015. Collection method: clinical testing. Allele origin: germline. Observed: 1 variant allele.
Comment: BP4, PM2_supporting

Dasa
Classification: Uncertain significance. Last evaluated: 2025-05-19. Review status: criteria provided, single submitter. Criteria: DASA Assertion Criteria. Collection method: clinical testing. Allele origin: germline.
Comment: NM_004260.4(RECQL4):c.3206G>A (p.Arg1069His) is a missense variant that results in the substitution of arginine with histidine. This variant is rare in population databases. The currently available literature and clinical evidence are not sufficient to establish a definitive association between this variant and the reported condition. Therefore, this variant is classified as a variant of uncertain significance.

NM_004260.4(RECQL4):c.3206G>A (p.Arg1069His)

Gene: RECQL4 (RecQ like helicase 4; minus strand). Cytogenetic location: 8q24.3.
Variant type: single nucleotide variant.
Coding change: c.3206G>A on transcript NM_004260.4 (MANE Select); coding-DNA position 3206, G replaced by A.
Protein change: p.Arg1069His; replaces arginine 1069 with histidine.
Molecular consequence: missense variant.
Genome position (GRCh38, 1-based): chr8:144,512,174, C>T on the plus strand (G>A on the coding strand, the complement: RECQL4 is on the minus strand). VCF-style: chr8-144512174-C-T. GRCh37 (hg19) VCF-style: chr8-145737557-C-T.
Other names: p.Arg1069His; short protein forms R1069H.
Identifiers: ClinVar variation 528977 (VCV000528977.12), dbSNP rs752847936, ClinGen allele CA4947889.
Genomic context (GRCh38, chr8:144,512,174, plus strand): 5'-GGTCCCAGGCCCCGCCCGCCTCCTCCCAACCTGTGAAAGGCCTGGAAGGTTCTGCGCAGA[C>T]GGGCCAGGGCCTGGCGCTCCCGGGCCTGCACACGGCCATAGAGGAAGTCACATATCTGGT-3'
Protein context (NP_004251.4, residues 1059-1079): VQARERQALA[Arg1069His]LRRTFQAFHS